The following is an entry in ClinVar:

ClinVar aggregate classification (germline): Uncertain significance. Review status: criteria provided, multiple submitters, no conflicts (2 of 4 stars). 3 submissions from 3 submitters: Uncertain significance (3). Last evaluated 2025-11-06.

Conditions:
Familial thoracic aortic aneurysm and aortic dissection (TAAD). Also called: Thoracic aortic aneurysms and dissections. Identifiers: Orphanet 91387, MedGen C4707243, MONDO:0019625.
Aortic aneurysm, familial thoracic 4 (AAT4). Also called: AORTIC ANEURYSM/AORTIC DISSECTION AND PATENT DUCTUS ARTERIOSUS. Identifiers: MedGen C1851504, MONDO:0007568, OMIM 132900.

Allele frequency attached by ClinVar (database versions not stated): TOPMed below 0.00001.
gnomAD v4.1: 26 of 1,614,028 alleles (0.0016%); highest among the groups gnomAD compares: Non-Finnish European, 0.002%; no homozygotes.

Submissions (3):

Labcorp Genetics (formerly Invitae), Labcorp
Classification: Uncertain significance for Aortic aneurysm, familial thoracic 4. Last evaluated: 2025-11-06. Review status: criteria provided, single submitter. Criteria: Invitae Variant Classification Sherloc (09022015). Collection method: clinical testing. Allele origin: germline.
Comment: This sequence change replaces glutamic acid, which is acidic and polar, with aspartic acid, which is acidic and polar, at codon 1637 of the MYH11 protein (p.Glu1637Asp). This variant is present in population databases (no rsID available, gnomAD 0.0009%). This variant has not been reported in the literature in individuals affected with MYH11-related conditions. ClinVar contains an entry for this variant (Variation ID: 927595). Invitae Evidence Modeling of protein sequence and biophysical properties (such as structural, functional, and spatial information, amino acid conservation, physicochemical variation, residue mobility, and thermodynamic stability) indicates that this missense variant is not expected to disrupt MYH11 protein function with a negative predictive value of 95%. In summary, the available evidence is currently insufficient to determine the role of this variant in disease. Therefore, it has been classified as a Variant of Uncertain Significance.

Color Diagnostics, LLC DBA Color Health
Classification: Uncertain significance for Familial thoracic aortic aneurysm and aortic dissection. Last evaluated: 2024-03-07. Review status: criteria provided, single submitter. Criteria: ACMG Guidelines, 2015. Collection method: clinical testing. Allele origin: germline.
Comment: This missense variant replaces glutamic acid with aspartic acid at codon 1637 of the MYH11 protein. Computational prediction suggests that this variant may have deleterious impact on protein structure and function (internally defined REVEL score threshold >= 0.7, PMID: 27666373). To our knowledge, functional studies have not been reported for this variant. This variant has not been reported in individuals affected with MYH11-related disorders in the literature. This variant has been identified in 1/251484 chromosomes in the general population by the Genome Aggregation Database (gnomAD). The available evidence is insufficient to determine the role of this variant in disease conclusively. Therefore, this variant is classified as a Variant of Uncertain Significance.

All of Us Research Program, National Institutes of Health
Classification: Uncertain significance for Familial thoracic aortic aneurysm and aortic dissection. Last evaluated: 2024-01-11. Review status: criteria provided, single submitter. Criteria: ACMG Guidelines, 2015. Collection method: clinical testing. Allele origin: germline. Inheritance: Autosomal dominant inheritance. Observed: 3 variant alleles, 3 heterozygotes.
Comment: Variant of Uncertain Significance due to insufficient evidence: This missense variant is located in the coiled coil myosin tail domain of the MYH11 protein. Computational prediction tools and conservation analyses are inconclusive regarding the impact of this variant on the protein function. Computational splicing tools suggest that this variant may not impact RNA splicing. To our knowledge, functional assays have not been performed for this variant nor has this variant been reported in individuals affected with cardiovascular disorders in the literature. This variant has been identified in 1/246258 chromosomes in the general population by the Genome Aggregation Database (gnomAD). Available evidence is insufficient to determine the role of this variant in disease conclusively.

This study involves interpretation of variants in research participants for the purpose of population health screening. Participant phenotype was not available at the time of variant classification. Additional details can be found in publication PMID: 35346344, PMCID: PMC8962531

NM_002474.3(MYH11):c.4890G>C (p.Glu1630Asp)

Genes: NDE1 (nudE neurodevelopment protein 1; plus strand), MYH11 (myosin heavy chain 11; minus strand). Cytogenetic location: 16p13.11.
Variant type: single nucleotide variant.
Coding change: c.4890G>C on transcript NM_002474.3 (MANE Select); coding-DNA position 4890, G replaced by C.
Protein change: p.Glu1630Asp; replaces glutamic acid 1630 with aspartic acid.
Molecular consequence: missense variant. On other transcripts: intron variant (2).
Genome position (GRCh38, 1-based): chr16:15,720,214, C>G on the plus strand (G>C on the coding strand, the complement: MYH11 is on the minus strand). VCF-style: chr16-15720214-C-G. GRCh37 (hg19) VCF-style: chr16-15814071-C-G.
Other names: c.4911G>C, p.Glu1637Asp (NM_001040113.2, NM_001040114.2); c.4890G>C, p.Glu1630Asp (NM_022844.3); c.948-3977C>G (NM_001143979.2, NM_017668.3); short protein forms E1637D, E1630D.
Identifiers: ClinVar variation 927595 (VCV000927595.11), dbSNP rs571540776, ClinGen allele CA394852425.